The following is an entry in ClinVar:

NM_005236.3(ERCC4):c.1090A>G (p.Lys364Glu)

Gene: ERCC4 (ERCC excision repair 4, endonuclease catalytic subunit; plus strand). Cytogenetic location: 16p13.12.
Variant type: single nucleotide variant.
Coding change: c.1090A>G on transcript NM_005236.3 (MANE Select); coding-DNA position 1090, A replaced by G.
Protein change: p.Lys364Glu; replaces lysine 364 with glutamic acid.
Molecular consequence: missense variant.
Genome position (GRCh38, 1-based): chr16:13,932,273, A>G. VCF-style: chr16-13932273-A-G. GRCh37 (hg19) VCF-style: chr16-14026130-A-G.
Other names: c.1090A>G (NM_005236.2); short protein forms K364E.
Identifiers: ClinVar variation 1010118 (VCV001010118.6), dbSNP rs765535723, ClinGen allele CA7910355.
Genomic context (GRCh38, chr16:13,932,273, plus strand): 5'-TATCATCTTCCAGATGCCAAAATGAGTAAAAAAGAAAAAATATCTGAAAAAATGGAAATT[A>G]AAGAAGGGGAAGGTATCTTGTGGGGTTAAGTCTTTAAATGTGTTTTTTATTTCGGTATTT-3'
Protein context (NP_005227.1, residues 354-374): KEKISEKMEI[Lys364Glu]EGEETKKELV

ClinVar aggregate classification (germline): Uncertain significance. Review status: criteria provided, multiple submitters, no conflicts (2 of 4 stars). 2 submissions from 2 submitters: Uncertain significance (2). Last evaluated 2024-03-20.

Conditions:
Cockayne syndrome. Identifiers: Orphanet 191, MedGen C0009207, MONDO:0016006.
Fanconi anemia complementation group Q. Identifiers: Orphanet 84, MedGen C3808988, MONDO:0014108, OMIM 615272.
Xeroderma pigmentosum, group F (XPF). Also called: XERODERMA PIGMENTOSUM VI; XP, GROUP F; XERODERMA PIGMENTOSUM, TYPE F; Xeroderma pigmentosum, type 6; XERODERMA PIGMENTOSUM, COMPLEMENTATION GROUP F; ERCC4-Related Xeroderma Pigmentosum. Identifiers: MedGen C0268140, MONDO:0010215, OMIM 278760.
Inborn genetic diseases. Identifiers: MedGen C0950123, MeSH D030342.

Allele frequency attached by ClinVar (database versions not stated): gnomAD exomes below 0.00001; ExAC 0.00001; gnomAD 0.00001; TOPMed 0.00002.
gnomAD v4.1: 5 of 1,610,250 alleles (0.00031%); highest among the groups gnomAD compares: East Asian, 0.011%; no homozygotes.

Submissions (2):

Ambry Genetics
Classification: Uncertain significance for Inborn genetic diseases. Last evaluated: 2024-03-20. Review status: criteria provided, single submitter. Criteria: Ambry Variant Classification Scheme 2023. Collection method: clinical testing. Allele origin: germline.

Labcorp Genetics (formerly Invitae), Labcorp
Classification: Uncertain significance for Fanconi anemia complementation group Q; Xeroderma pigmentosum, group F; Cockayne syndrome. Last evaluated: 2024-03-17. Review status: criteria provided, single submitter. Criteria: Invitae Variant Classification Sherloc (09022015). Collection method: clinical testing. Allele origin: germline.
Comment: This sequence change replaces lysine, which is basic and polar, with glutamic acid, which is acidic and polar, at codon 364 of the ERCC4 protein (p.Lys364Glu). This variant is present in population databases (rs765535723, gnomAD 0.006%). This variant has not been reported in the literature in individuals affected with ERCC4-related conditions. ClinVar contains an entry for this variant (Variation ID: 1010118). Advanced modeling of protein sequence and biophysical properties (such as structural, functional, and spatial information, amino acid conservation, physicochemical variation, residue mobility, and thermodynamic stability) performed at Invitae indicates that this missense variant is not expected to disrupt ERCC4 protein function with a negative predictive value of 80%. In summary, the available evidence is currently insufficient to determine the role of this variant in disease. Therefore, it has been classified as a Variant of Uncertain Significance.